The following is an entry in ClinVar:

NM_000535.7(PMS2):c.812G>T (p.Gly271Val)

Gene: PMS2 (PMS1 homolog 2, mismatch repair system component; minus strand). Cytogenetic location: 7p22.1.
Variant type: single nucleotide variant.
Coding change: c.812G>T on transcript NM_000535.7 (MANE Select); coding-DNA position 812, G replaced by T.
Protein change: p.Gly271Val; replaces glycine 271 with valine.
Molecular consequence: missense variant. On other transcripts: 5 prime UTR variant (2), non-coding transcript variant (1).
Genome position (GRCh38, 1-based): chr7:5,995,625, C>A on the plus strand (G>T on the coding strand, the complement: PMS2 is on the minus strand). VCF-style: chr7-5995625-C-A. GRCh37 (hg19) VCF-style: chr7-6035256-C-A.
Other names: c.407G>T, p.Gly136Val (NM_001322003.2, NM_001322004.2, NM_001322005.2 and 2 more transcripts); c.812G>T, p.Gly271Val (NM_001322006.2, NM_001322014.2); c.494G>T, p.Gly165Val (NM_001322007.2, NM_001322008.2); c.-122G>T (NM_001322011.2, NM_001322012.2); c.239G>T, p.Gly80Val (NM_001322013.2); c.503G>T, p.Gly168Val (NM_001322015.2); short protein forms G136V, G165V, G271V, G80V, G168V.
Identifiers: ClinVar variation 827470 (VCV000827470.4), dbSNP rs1583364867, ClinGen allele CA366743567.

ClinVar aggregate classification (germline): Likely pathogenic (1 of 4 stars; one submission).

Conditions:
Hereditary cancer-predisposing syndrome. Also called: Neoplastic Syndromes, Hereditary; Tumor predisposition; Hereditary neoplastic syndrome; Hereditary Cancer Syndrome. Identifiers: Orphanet 140162, MedGen C0027672, MeSH D009386, MONDO:0015356.

Submission:

Ambry Genetics
Classification: Likely pathogenic for Hereditary cancer-predisposing syndrome. Last evaluated: 2023-09-22. Review status: criteria provided, single submitter. Criteria: Ambry Variant Classification Scheme 2023. Collection method: clinical testing. Allele origin: germline.
Comment: The p.G271V variant (also known as c.812G>T), located in coding exon 8 of the PMS2 gene, results from a G to T substitution at nucleotide position 812. The glycine at codon 271 is replaced by valine, an amino acid with dissimilar properties. This alteration was detected in a homozygous state in two siblings with a clinical diagnosis of constitutional mismatch repair deficiency syndrome (Kr&uuml;ger S et al. Eur J Hum Genet, 2008 Jan;16:62-72). Another alteration at the same codon, p.G271D (c.812G>A), has been detected in probands whose Lynch syndrome-associated tumor demonstrated high microsatellite instability and/or loss of PMS2 expression by immunohistochemistry (Ambry internal data). This amino acid position is highly conserved in available vertebrate species. In addition, this alteration is predicted to be deleterious by in silico analysis. This variant is considered to be rare based on population cohorts in the Genome Aggregation Database (gnomAD). Based on the majority of available evidence to date, this variant is likely to be pathogenic.

Literature cited by the submitters: PubMed 17851451.